The following is an entry in ClinVar:

ClinVar aggregate classification (germline): Uncertain significance (1 of 4 stars; one submission).

Conditions:
Cardiovascular phenotype. Identifiers: MedGen CN230736.

gnomAD v4.1: 1 of 1,613,868 alleles (0.000062%); highest among the groups gnomAD compares: Non-Finnish European, 0.000085%; no homozygotes.

Submission:

Ambry Genetics
Classification: Uncertain significance for Cardiovascular phenotype. Last evaluated: 2025-09-04. Review status: criteria provided, single submitter. Criteria: Ambry Variant Classification Scheme 2023. Collection method: clinical testing. Allele origin: germline.
Comment: The p.S142G variant (also known as c.424A>G), located in coding exon 3 of the JAG1 gene, results from an A to G substitution at nucleotide position 424. The serine at codon 142 is replaced by glycine, an amino acid with similar properties. This amino acid position is conserved. In addition, this alteration is predicted to be tolerated by in silico analysis. Based on the available evidence, the clinical significance of this variant remains unclear.

NM_000214.3(JAG1):c.424A>G (p.Ser142Gly)

Gene: JAG1 (jagged canonical Notch ligand 1; minus strand). Cytogenetic location: 20p12.2.
Variant type: single nucleotide variant.
Coding change: c.424A>G on transcript NM_000214.3 (MANE Select); coding-DNA position 424, A replaced by G.
Protein change: p.Ser142Gly; replaces serine 142 with glycine.
Molecular consequence: missense variant.
Genome position (GRCh38, 1-based): chr20:10,663,978, T>C on the plus strand (A>G on the coding strand, the complement: JAG1 is on the minus strand). VCF-style: chr20-10663978-T-C. GRCh37 (hg19) VCF-style: chr20-10644626-T-C.
Other names: short protein forms S142G.
Identifiers: ClinVar variation 4089139 (VCV004089139.1).